The following is an entry in ClinVar:

ClinVar aggregate classification (germline): Likely benign. Review status: criteria provided, multiple submitters, no conflicts (2 of 4 stars). 3 submissions from 3 submitters: Likely benign (3). Last evaluated 2024-02-15.

Allele frequency attached by ClinVar (database versions not stated): TOPMed below 0.00001; gnomAD 0.00001; ExAC 0.00002; gnomAD exomes 0.00003 and 0.00004.
gnomAD v4.1: 56 of 1,613,554 alleles (0.0035%); highest among the groups gnomAD compares: Admixed American, 0.005%; no homozygotes.

Submissions (3):

Labcorp Genetics (formerly Invitae), Labcorp
Classification: Likely benign. Last evaluated: 2024-02-15. Review status: criteria provided, single submitter. Criteria: Invitae Variant Classification Sherloc (09022015). Collection method: clinical testing. Allele origin: germline.

Blueprint Genetics
Classification: Likely benign. Last evaluated: 2021-02-11. Review status: criteria provided, single submitter. Criteria: ACMG Guidelines, 2015. Collection method: clinical testing. Allele origin: germline.

GeneDx
Classification: Likely benign. Last evaluated: 2017-11-02. Review status: criteria provided, single submitter. Criteria: GeneDx Variant Classification (06012015). Collection method: clinical testing. Allele origin: germline. Affected: yes.
Comment: This variant is considered likely benign or benign based on one or more of the following criteria: it is a conservative change, it occurs at a poorly conserved position in the protein, it is predicted to be benign by multiple in silico algorithms, and/or has population frequency not consistent with disease.

NM_052865.4(MGME1):c.849C>T (p.Thr283=)

Gene: MGME1 (mitochondrial genome maintenance exonuclease 1; plus strand). Cytogenetic location: 20p11.23.
Variant type: single nucleotide variant.
Coding change: c.849C>T on transcript NM_052865.4 (MANE Select); coding-DNA position 849, C replaced by T.
Protein change: p.Thr283=; no amino-acid change (threonine 283 retained).
Molecular consequence: synonymous variant. On other transcripts: intron variant (1).
Genome position (GRCh38, 1-based): chr20:17,988,283, C>T. VCF-style: chr20-17988283-C-T. GRCh37 (hg19) VCF-style: chr20-17968926-C-T.
Other names: c.894C>T, p.Thr298= (NM_001310338.2); c.609C>T, p.Thr203= (NM_001363738.2); c.512-1656C>T (NM_001310339.2).
Identifiers: ClinVar variation 512771 (VCV000512771.5), dbSNP rs774845775, ClinGen allele CA9775051.